The following is an entry in ClinVar:

NM_017514.5(PLXNA3):c.4831C>T (p.Leu1611Phe)

Gene: PLXNA3 (plexin A3; plus strand). Cytogenetic location: Xq28.
Variant type: single nucleotide variant.
Coding change: c.4831C>T on transcript NM_017514.5 (MANE Select); coding-DNA position 4831, C replaced by T.
Protein change: p.Leu1611Phe; replaces leucine 1611 with phenylalanine.
Molecular consequence: missense variant.
Genome position (GRCh38, 1-based): chrX:154,470,012, C>T. VCF-style: chrX-154470012-C-T. GRCh37 (hg19) VCF-style: chrX-153698355-C-T.
Other names: short protein forms L1611F.
Identifiers: ClinVar variation 4997193 (VCV004997193.1).

ClinVar aggregate classification (germline): Uncertain significance (1 of 4 stars; one submission).

Conditions:
PLXNA3-related disorder. Also called: PLXNA3-related condition.

Submission:

PreventionGenetics, part of Exact Sciences
Classification: Uncertain significance for PLXNA3-related condition. Last evaluated: 2025-02-20. Review status: criteria provided, single submitter. Criteria: ACMG Guidelines, 2015. Collection method: clinical testing. Allele origin: germline.
Comment: The PLXNA3 c.4831C>T variant is predicted to result in the amino acid substitution p.Leu1611Phe. To our knowledge, this variant has not been reported in the literature or in a large population database (gnomAD), indicating this variant is rare. At this time, the clinical significance of this variant is uncertain due to the absence of conclusive functional and genetic evidence.